The following is an entry in ClinVar:

NM_001080414.4(CCDC88C):c.1162C>T (p.Leu388=)

Gene: CCDC88C (coiled-coil and HOOK domain protein 88C; minus strand). Cytogenetic location: 14q32.11.
Variant type: single nucleotide variant.
Coding change: c.1162C>T on transcript NM_001080414.4 (MANE Select); coding-DNA position 1162, C replaced by T.
Protein change: p.Leu388=; no amino-acid change (leucine 388 retained).
Molecular consequence: synonymous variant. On other transcripts: non-coding transcript variant (2).
Genome position (GRCh38, 1-based): chr14:91,325,945, G>A on the plus strand (C>T on the coding strand, the complement: CCDC88C is on the minus strand). VCF-style: chr14-91325945-G-A. GRCh37 (hg19) VCF-style: chr14-91792289-G-A.
Identifiers: ClinVar variation 4988411 (VCV004988411.1).
Genomic context (GRCh38, chr14:91,325,945, plus strand): 5'-GTAGTAACAACACAGCCTGCAGTACCAATTCCAGGTCGTGAAGCTTGGATTTCAGCTGCA[G>A]GTTCTCCTTTTCCAGCTCATGGACTTTATCGCCCCGGGCCCGAGCAGCAGTCAGCTGTTC-3'
Protein context (NP_001073883.2, residues 378-398): DKVHELEKEN[Leu388=]QLKSKLHDLE

ClinVar aggregate classification (germline): Likely benign (1 of 4 stars; one submission).

Conditions:
CCDC88C-related disorder. Also called: CCDC88C-Related Disorders; CCDC88C-related condition.

gnomAD v4.1: 14 of 1,557,612 alleles (0.0009%); highest among the groups gnomAD compares: Non-Finnish European, 0.0011%; no homozygotes.

Submission:

PreventionGenetics, part of Exact Sciences
Classification: Likely benign for CCDC88C-related condition. Last evaluated: 2025-08-04. Review status: criteria provided, single submitter. Criteria: ACMG Guidelines, 2015. Collection method: clinical testing. Allele origin: germline.
Comment: This variant is classified as likely benign based on ACMG/AMP sequence variant interpretation guidelines (Richards et al. 2015 PMID: 25741868, with internal and published modifications).